The following is an entry in ClinVar:

ClinVar aggregate classification (germline): Uncertain significance (1 of 4 stars; one submission).

Conditions:
PCDH15-related disorder. Also called: PCDH15-related condition; PCDH15-related disorders.

Submission:

PreventionGenetics, part of Exact Sciences
Classification: Uncertain significance for PCDH15-related condition. Last evaluated: 2026-01-21. Review status: criteria provided, single submitter. Criteria: ACMG Guidelines, 2015. Collection method: clinical testing. Allele origin: germline.
Comment: The PCDH15 c.4618_4621dupAGAA variant is predicted to result in a frameshift and premature protein termination (p.Met1541Lysfs*8). This variant is located in the terminal exon in transcript NM_001354429. This variant can also be denoted as c.*1574_*1577dupAGAA (Post-Coding) in the biologically relevant transcript for hearing loss NM_001142769. To our knowledge, this variant has not been reported in the literature. This variant is present in 0.0032% of alleles in individuals of Latino descent in gnomAD. At this time, the clinical significance of this variant is uncertain due to the absence of conclusive functional and genetic evidence.

NM_001384140.1(PCDH15):c.4684_4687dup (p.Met1563fs)

Gene: PCDH15 (protocadherin related 15; minus strand). Cytogenetic location: 10q21.1.
Variant type: Duplication.
Coding change: c.4684_4687dup on transcript NM_001384140.1 (MANE Select); coding-DNA positions 4684 to 4687, 4 bases duplicated (AGAA; older notation c.4684_4687dupAGAA).
Protein change: p.Met1563fs; shifts the reading frame from methionine 1563.
Molecular consequence: frameshift variant.
Genome position (GRCh38, 1-based): chr10:53,807,115-53,807,118, TTCT duplicated on the plus strand (AGAA on the coding strand, the reverse complement: PCDH15 is on the minus strand); duplicating any 4 consecutive bases within chr10:53,807,115-53,807,120 gives the same sequence; the c. name uses the placement nearest the transcript's 3' end. VCF-style (leftmost placement, unchanged base first): chr10-53807114-A-ATTCT. GRCh37 (hg19) VCF-style: chr10-55566874-A-ATTCT.
Other names: c.4510_4513dup, p.Met1505fs (NM_001142771.2); c.4495_4498dup, p.Met1500fs (NM_001142772.2); c.4489_4492dup, p.Met1498fs (NM_001354420.2); c.4618_4621dup, p.Met1541fs (NM_001354429.2); short protein forms M1500fs, M1505fs, M1541fs, M1563fs, M1498fs.
Identifiers: ClinVar variation 4987959 (VCV004987959.1).